The following is an entry in ClinVar:

NM_000173.7(GP1BA):c.1253C>G (p.Ala418Gly)

Gene: GP1BA (glycoprotein Ib platelet subunit alpha; plus strand). Cytogenetic location: 17p13.2.
Variant type: single nucleotide variant.
Coding change: c.1253C>G on transcript NM_000173.7 (MANE Select); coding-DNA position 1253, C replaced by G.
Protein change: p.Ala418Gly; replaces alanine 418 with glycine.
Molecular consequence: missense variant.
Genome position (GRCh38, 1-based): chr17:4,933,857, C>G. VCF-style: chr17-4933857-C-G. GRCh37 (hg19) VCF-style: chr17-4837152-C-G.
Other names: short protein forms A418G.
Identifiers: ClinVar variation 3063642 (VCV003063642.1), dbSNP rs1366861483, ClinGen allele CA397320661.

ClinVar aggregate classification (germline): Uncertain significance (1 of 4 stars; one submission).

Submission:

Women's Health and Genetics/Laboratory Corporation of America, LabCorp
Classification: Uncertain significance. Last evaluated: 2024-01-23. Review status: criteria provided, single submitter. Criteria: LabCorp Variant Classification Summary - May 2015. Collection method: clinical testing. Allele origin: germline.
Comment: Variant summary: GP1BA c.1253C>G (p.Ala418Gly) results in a non-conservative amino acid change in the encoded protein sequence. Three of five in-silico tools predict a benign effect of the variant on protein function. The variant was absent in 201082 control chromosomes (gnomAD). The available data on variant occurrences in the general population are insufficient to allow any conclusion about variant significance. To our knowledge, no occurrence of c.1253C>G in individuals affected with Autosomal Dominant Bernard-Soulier Syndrome, Type A2 and no experimental evidence demonstrating its impact on protein function have been reported. No submitters have cited clinical-significance assessments for this variant to ClinVar. Based on the evidence outlined above, the variant was classified as uncertain significance.